The following is an entry in ClinVar:

ClinVar aggregate classification (germline): Benign (1 of 4 stars; one submission).

Allele frequency attached by ClinVar (database versions not stated): 1000 Genomes Project 0.01917; 1000 Genomes Project 30x 0.01983; gnomAD 0.02329; TOPMed 0.02429.
gnomAD v4.1: 3,244 of 152,368 alleles (2.1%); highest among the groups gnomAD compares: African/African-American, 7.3%; 114 homozygotes.

Submission:

GeneDx
Classification: Benign. Last evaluated: 2018-06-16. Review status: criteria provided, single submitter. Criteria: GeneDx Variant Classification (06012015). Collection method: clinical testing. Allele origin: germline. Affected: yes.
Comment: This variant is considered likely benign or benign based on one or more of the following criteria: it is a conservative change, it occurs at a poorly conserved position in the protein, it is predicted to be benign by multiple in silico algorithms, and/or has population frequency not consistent with disease.

NM_001130987.2(DYSF):c.6064-273A>G

Gene: DYSF (dysferlin; plus strand). Cytogenetic location: 2p13.2.
Variant type: single nucleotide variant.
Coding change: c.6064-273A>G on transcript NM_001130987.2 (MANE Select); 273 bases into the intron before coding-DNA position 6064, A replaced by G.
Molecular consequence: intron variant.
Genome position (GRCh38, 1-based): chr2:71,680,728, A>G. VCF-style: chr2-71680728-A-G. GRCh37 (hg19) VCF-style: chr2-71907858-A-G.
Other names: c.6040-273A>G (NM_001130979.2); c.6061-273A>G (NM_001130981.2); c.5998-273A>G (NM_001130980.2); c.6010-273A>G (NM_001130978.2); c.5947-273A>G (NM_003494.4); c.5968-273A>G (NM_001130977.2); c.5905-273A>G (NM_001130976.2); c.6043-273A>G (NM_001130982.2); and 5 more.
Identifiers: ClinVar variation 673604 (VCV000673604.1), dbSNP rs59587819, ClinGen allele CA49775325.